The following is an entry in ClinVar:

ClinVar aggregate classification (germline): Likely pathogenic. Review status: criteria provided, single submitter (1 of 4 stars). 2 submissions from 2 submitters: Likely pathogenic (1). 1 of the submissions does not count toward it. Last evaluated 2024-03-01.

Conditions:
Myopathy, lactic acidosis, and sideroblastic anemia 1 (MLASA1). Identifiers: Orphanet 2598, MedGen C4551958, MONDO:0024553, OMIM 600462.
PUS1-related disorder. Also called: PUS1-related condition.

Submissions (2):

Baylor Genetics
Classification: Likely pathogenic for Myopathy, lactic acidosis, and sideroblastic anemia 1. Last evaluated: 2024-03-01. Review status: criteria provided, single submitter. Criteria: ACMG Guidelines, 2015. Collection method: clinical testing. Allele origin: unknown.

PreventionGenetics, part of Exact Sciences
Classification: Uncertain significance for PUS1-related condition. Last evaluated: 2024-01-10. Review status: no assertion criteria provided. Collection method: clinical testing. Allele origin: germline. Not counted in ClinVar's aggregate classification.
Comment: The PUS1 c.1156dupT variant is predicted to result in a frameshift and premature protein termination (p.Ser386Phefs*36). This variant has been reported in the compound heterozygous state with a c.2T>G variant in an individual with a clinical diagnosis or strong suspicion of Diamond-Blackfan anemia (Reported via chr12:132426447:C>CT, Table 3, Ulirsch et al. 2018. PubMed ID: 30503522). Of note, while loss of function variants have been reported in the PUS1 gene, to our knowledge, none have been reported 3' of the p.Ser386Phsfs*36 variant, therefore it is unknown if it impacts protein function. This variant has not been reported in a large population database, indicating this variant is rare. Although we suspect that this variant may be pathogenic, at this time, the clinical significance of this variant is uncertain due to the absence of conclusive functional and genetic evidence.

NM_025215.6(PUS1):c.1156dup (p.Ser386fs)

Gene: PUS1 (pseudouridine synthase 1; plus strand). Cytogenetic location: 12q24.33.
Variant type: Duplication.
Coding change: c.1156dup on transcript NM_025215.6 (MANE Select); coding-DNA position 1156, one base duplicated (T; older notation c.1156dupT).
Protein change: p.Ser386fs; shifts the reading frame from serine 386.
Molecular consequence: frameshift variant.
Genome position (GRCh38, 1-based): chr12:131,941,903, T duplicated. VCF-style (leftmost placement, unchanged base first): chr12-131941902-C-CT. GRCh37 (hg19) VCF-style: chr12-132426447-C-CT.
Other names: c.1072dup, p.Ser358fs (NM_001002019.3, NM_001002020.3); short protein forms S358fs, S386fs.
Identifiers: ClinVar variation 3031648 (VCV003031648.3), dbSNP rs2540874019, ClinGen allele CA2695217703.